The following is an entry in ClinVar:

NC_000015.9:g.(?_34156329)_(34156400_?)dup

Gene: RYR3 (ryanodine receptor 3; plus strand). Cytogenetic location: 15q14.
Variant type: Duplication.
Identifiers: ClinVar variation 1046524 (VCV001046524.6).

ClinVar aggregate classification (germline): Uncertain significance (1 of 4 stars; one submission).

Conditions:
Epileptic encephalopathy. Identifiers: MedGen C0543888, HP:0200134.

Submission:

Labcorp Genetics (formerly Invitae), Labcorp
Classification: Uncertain significance for Epileptic encephalopathy. Last evaluated: 2022-07-26. Review status: criteria provided, single submitter. Criteria: Invitae Variant Classification Sherloc (09022015). Collection method: clinical testing. Allele origin: germline.
Comment: This variant results in a copy number gain of the genomic region encompassing exon(s) 103 of the RYR3 gene. While the exact position of this variant cannot be determined from the data, sub-genic copy number gains are generally in tandem (PMID: 25640679). This variant is predicted to be out-of-frame, and may result in an absent or disrupted protein product. However, the current clinical and genetic evidence is not sufficient to establish whether loss-of-function variants in RYR3 cause disease. In summary, the available evidence is currently insufficient to determine the role of this variant in disease. Therefore, it has been classified as a Variant of Uncertain Significance. This variant has not been reported in the literature in individuals affected with RYR3-related conditions.

Literature cited by the submitters: PubMed 25640679.